The following is an entry in ClinVar:

ClinVar aggregate classification (germline): Uncertain significance. Review status: criteria provided, multiple submitters, no conflicts (2 of 4 stars). 2 submissions from 2 submitters: Uncertain significance (2). Last evaluated 2025-05-21.

gnomAD v4.1: 12 of 1,602,760 alleles (0.00075%); highest among the groups gnomAD compares: Admixed American, 0.0051%; no homozygotes.

Submissions (2):

Ambry Genetics
Classification: Uncertain significance. Last evaluated: 2025-05-21. Review status: criteria provided, single submitter. Criteria: Ambry Variant Classification Scheme 2023. Collection method: clinical testing. Allele origin: germline.

Labcorp Genetics (formerly Invitae), Labcorp
Classification: Uncertain significance. Last evaluated: 2025-02-10. Review status: criteria provided, single submitter. Criteria: Invitae Variant Classification Sherloc (09022015). Collection method: clinical testing. Allele origin: germline.
Comment: This sequence change replaces proline, which is neutral and non-polar, with threonine, which is neutral and polar, at codon 198 of the WBP2 protein (p.Pro198Thr). This variant is present in population databases (rs577649493, gnomAD 0.006%). This variant has not been reported in the literature in individuals affected with WBP2-related conditions. Invitae Evidence Modeling of protein sequence and biophysical properties (such as structural, functional, and spatial information, amino acid conservation, physicochemical variation, residue mobility, and thermodynamic stability) indicates that this missense variant is expected to disrupt WBP2 protein function with a positive predictive value of 80%. In summary, the available evidence is currently insufficient to determine the role of this variant in disease. Therefore, it has been classified as a Variant of Uncertain Significance.

NM_012478.4(WBP2):c.592C>A (p.Pro198Thr)

Gene: WBP2 (WW domain binding protein 2; minus strand). Cytogenetic location: 17q25.1.
Variant type: single nucleotide variant.
Coding change: c.592C>A on transcript NM_012478.4 (MANE Select); coding-DNA position 592, C replaced by A.
Protein change: p.Pro198Thr; replaces proline 198 with threonine.
Molecular consequence: missense variant.
Genome position (GRCh38, 1-based): chr17:75,847,550, G>T on the plus strand (C>A on the coding strand, the complement: WBP2 is on the minus strand). VCF-style: chr17-75847550-G-T. GRCh37 (hg19) VCF-style: chr17-73843631-G-T.
Other names: c.457C>A, p.Pro153Thr (NM_001330499.2); c.592C>A, p.Pro198Thr (NM_001348170.1); short protein forms P198T, P153T.
Identifiers: ClinVar variation 3980663 (VCV003980663.2).